The following is an entry in ClinVar:

ClinVar aggregate classification (germline): Uncertain significance (1 of 4 stars; one submission).

Conditions:
Multiple congenital exostosis (EXT). Also called: Multiple exostoses; MULTIPLE CARTILAGINOUS EXOSTOSES; Hereditary multiple exostoses; Hereditary multiple exostosis; Hereditary multiple osteochondromas; Multiple osteochondromas. Identifiers: Orphanet 321, MedGen C0015306, MONDO:0005508, HP:0002762.

Allele frequency attached by ClinVar (database versions not stated): gnomAD exomes below 0.00001; TOPMed below 0.00001.
gnomAD v4.1: 7 of 1,614,018 alleles (0.00043%); highest among the groups gnomAD compares: African/African-American, 0.0013%; no homozygotes.

Submission:

Labcorp Genetics (formerly Invitae), Labcorp
Classification: Uncertain significance for Multiple congenital exostosis. Last evaluated: 2020-10-30. Review status: criteria provided, single submitter. Criteria: Invitae Variant Classification Sherloc (09022015). Collection method: clinical testing. Allele origin: germline.
Comment: This sequence change replaces arginine with cysteine at codon 691 of the EXT1 protein (p.Arg691Cys). The arginine residue is highly conserved and there is a large physicochemical difference between arginine and cysteine. This variant is not present in population databases (ExAC no frequency). This variant has not been reported in the literature in individuals with EXT1-related conditions. Algorithms developed to predict the effect of missense changes on protein structure and function are either unavailable or do not agree on the potential impact of this missense change (SIFT: "Deleterious"; PolyPhen-2: "Probably Damaging"; Align-GVGD: "Class C0"). In summary, the available evidence is currently insufficient to determine the role of this variant in disease. Therefore, it has been classified as a Variant of Uncertain Significance.

NM_000127.3(EXT1):c.2071C>T (p.Arg691Cys)

Gene: EXT1 (exostosin glycosyltransferase 1; minus strand). Cytogenetic location: 8q24.11.
Variant type: single nucleotide variant.
Coding change: c.2071C>T on transcript NM_000127.3 (MANE Select); coding-DNA position 2071, C replaced by T.
Protein change: p.Arg691Cys; replaces arginine 691 with cysteine.
Molecular consequence: missense variant.
Genome position (GRCh38, 1-based): chr8:117,799,882, G>A on the plus strand (C>T on the coding strand, the complement: EXT1 is on the minus strand). VCF-style: chr8-117799882-G-A. GRCh37 (hg19) VCF-style: chr8-118812121-G-A.
Other names: short protein forms R691C.
Identifiers: ClinVar variation 1362916 (VCV001362916.8), dbSNP rs1586987089, ClinGen allele CA371890322.
Genomic context (GRCh38, chr8:117,799,882, plus strand): 5'-AGCTGGCAAACGTATTCATGCAGCTCTGTCGCTGGGCAAAGTGGTCAGGGTCAGCCCAAC[G>A]GGAAGCCCGAGAAGTCTAGGGAGAAGGAGAGAAACAAGGATAATGATGAGAGAAGTGCAA-3'
Protein context (NP_000118.2, residues 681-701): TMMGQTSRAS[Arg691Cys]WADPDHFAQR